The following is an entry in ClinVar:

NM_004174.4(SLC9A3):c.1935C>G (p.Asp645Glu)

Genes: SLC9A3 (solute carrier family 9 member A3), SLC9A3-AS1 (SLC9A3 antisense RNA 1; plus strand). Cytogenetic location: 5p15.33.
Variant type: single nucleotide variant.
Coding change: c.1935C>G on transcript NM_004174.4 (MANE Select); coding-DNA position 1935, C replaced by G.
Protein change: p.Asp645Glu; replaces aspartic acid 645 with glutamic acid.
Molecular consequence: missense variant. On other transcripts: non-coding transcript variant (1).
Genome position (GRCh38, 1-based): chr5:476,334, G>C on the plus strand (C>G on the coding strand, the complement: SLC9A3 is on the minus strand). VCF-style: chr5-476334-G-C. GRCh37 (hg19) VCF-style: chr5-476449-G-C.
Other names: c.1908C>G, p.Asp636Glu (NM_001284351.3); short protein forms D636E, D645E.
Identifiers: ClinVar variation 1935375 (VCV001935375.5), dbSNP rs558562725, ClinGen allele CA3175635.

ClinVar aggregate classification (germline): Uncertain significance (1 of 4 stars; one submission).

gnomAD v4.1: 3 of 1,613,910 alleles (0.00019%); highest among the groups gnomAD compares: South Asian, 0.0033%; no homozygotes.

Submission:

Labcorp Genetics (formerly Invitae), Labcorp
Classification: Uncertain significance. Last evaluated: 2022-03-11. Review status: criteria provided, single submitter. Criteria: Invitae Variant Classification Sherloc (09022015). Collection method: clinical testing. Allele origin: germline.
Comment: Algorithms developed to predict the effect of missense changes on protein structure and function are either unavailable or do not agree on the potential impact of this missense change (SIFT: "Not Available"; PolyPhen-2: "Benign"; Align-GVGD: "Not Available"). This variant has not been reported in the literature in individuals affected with SLC9A3-related conditions. This variant is present in population databases (rs558562725, gnomAD 0.006%). This sequence change replaces aspartic acid, which is acidic and polar, with glutamic acid, which is acidic and polar, at codon 645 of the SLC9A3 protein (p.Asp645Glu). In summary, the available evidence is currently insufficient to determine the role of this variant in disease. Therefore, it has been classified as a Variant of Uncertain Significance.